The following is an entry in ClinVar:

ClinVar aggregate classification (germline): Uncertain significance (1 of 4 stars; one submission).

gnomAD v4.1: 2 of 1,608,934 alleles (0.00012%); highest among the groups gnomAD compares: Admixed American, 0.0033%; no homozygotes.

Submission:

Women's Health and Genetics/Laboratory Corporation of America, LabCorp
Classification: Uncertain significance. Last evaluated: 2025-09-16. Review status: criteria provided, single submitter. Criteria: LabCorp Variant Classification Summary - May 2015. Collection method: clinical testing. Allele origin: germline.
Comment: Variant summary: GBF1 c.4269G>C (p.Glu1423Asp) results in a conservative amino acid change in the encoded protein sequence. Algorithms developed to predict the effect of missense changes on protein structure and function are either unavailable or do not agree on the potential impact of this missense change. The variant allele was found at a frequency of 4.1e-06 in 244828 control chromosomes. The available data on variant occurrences in the general population are insufficient to allow any conclusion about variant significance. To our knowledge, no occurrence of c.4269G>C in individuals affected with GBF1-related conditions and no experimental evidence demonstrating its impact on protein function have been reported. No submitters have cited clinical-significance assessments for this variant to ClinVar. Based on the evidence outlined above, the variant was classified as uncertain significance.

NM_001377137.1(GBF1):c.4272G>C (p.Glu1424Asp)

Gene: GBF1 (golgi brefeldin A resistant guanine nucleotide exchange factor 1; plus strand). Cytogenetic location: 10q24.32.
Variant type: single nucleotide variant.
Coding change: c.4272G>C on transcript NM_001377137.1 (MANE Select); coding-DNA position 4272, G replaced by C.
Protein change: p.Glu1424Asp; replaces glutamic acid 1424 with aspartic acid.
Molecular consequence: missense variant. On other transcripts: non-coding transcript variant (5).
Genome position (GRCh38, 1-based): chr10:102,376,784, G>C. VCF-style: chr10-102376784-G-C. GRCh37 (hg19) VCF-style: chr10-104136541-G-C.
Other names: c.4272G>C, p.Glu1424Asp (NM_001199378.2, NM_001391923.1); c.4269G>C, p.Glu1423Asp (NM_001199379.2, NM_001377141.1, NM_001391924.1 and 3 more transcripts); c.4233G>C, p.Glu1411Asp (NM_001377138.1, NM_001391925.1); c.3975G>C, p.Glu1325Asp (NM_001377139.1, NM_001377140.1); c.4368G>C, p.Glu1456Asp (NM_001391922.1, NM_001411027.1); c.4236G>C, p.Glu1412Asp (NM_001391926.1); c.4128G>C, p.Glu1376Asp (NM_001391928.1); c.4032G>C, p.Glu1344Asp (NM_001391929.1); and 2 more; short protein forms E1297D, E1325D, E1344D, E1376D, E1411D, E1412D, E1423D, E1424D.
Identifiers: ClinVar variation 4535510 (VCV004535510.1).
Genomic context (GRCh38, chr10:102,376,784, plus strand): 5'-TGCCCACATCACACCTGACAACTTTGAGCTCTGCGTCAAGACTCTCCGGATCTTTGTGGA[G>C]GCCAGTCTGAATGGCGGTGGGTCAGCTGATGAGGGGGCAGCTGGGGAGTAGCCATGCAAT-3'
Protein context (NP_001364066.1, residues 1414-1434): LCVKTLRIFV[Glu1424Asp]ASLNGGCKSQ